The following is an entry in ClinVar:

ClinVar aggregate classification (germline): Uncertain significance. Review status: criteria provided, multiple submitters, no conflicts (2 of 4 stars). 2 submissions from 2 submitters: Uncertain significance (2). Last evaluated 2018-08-12.

Conditions:
Hereditary cancer-predisposing syndrome. Also called: Hereditary neoplastic syndrome; Neoplastic Syndromes, Hereditary; Tumor predisposition; Hereditary Cancer Syndrome. Identifiers: Orphanet 140162, MedGen C0027672, MeSH D009386, MONDO:0015356.
Ataxia-telangiectasia syndrome (AT). Also called: LOUIS-BAR SYNDROME; Cerebello-oculocutaneous telangiectasia; Immunodeficiency with ataxia telangiectasia; AT, COMPLEMENTATION GROUP C; Ataxia-telangiectasia, complementation group D; ATAXIA-TELANGIECTASIA, COMPLEMENTATION GROUP A. Identifiers: Orphanet 100, MedGen C0004135, MONDO:0008840, OMIM 208900.

Submissions (2):

Labcorp Genetics (formerly Invitae), Labcorp
Classification: Uncertain significance for Ataxia-telangiectasia syndrome. Last evaluated: 2018-08-12. Review status: criteria provided, single submitter. Criteria: Invitae Variant Classification Sherloc (09022015). Collection method: clinical testing. Allele origin: germline.
Comment: This sequence change replaces leucine with serine at codon 1651 of the ATM protein (p.Leu1651Ser). The leucine residue is highly conserved and there is a large physicochemical difference between leucine and serine. This variant is not present in population databases (ExAC no frequency). This variant has not been reported in the literature in individuals with ATM-related disease. ClinVar contains an entry for this variant (Variation ID: 482611). Algorithms developed to predict the effect of missense changes on protein structure and function (SIFT, PolyPhen-2, Align-GVGD) all suggest that this variant is likely to be disruptive, but these predictions have not been confirmed by published functional studies and their clinical significance is uncertain. In summary, the available evidence is currently insufficient to determine the role of this variant in disease. Therefore, it has been classified as a Variant of Uncertain Significance.

Ambry Genetics
Classification: Uncertain significance for Hereditary cancer-predisposing syndrome. Last evaluated: 2016-06-17. Review status: criteria provided, single submitter. Criteria: Ambry Variant Classification Scheme 2023. Collection method: clinical testing. Allele origin: germline.
Comment: The p.L1651S variant (also known as c.4952T>C), located in coding exon 32 of the ATM gene, results from a T to C substitution at nucleotide position 4952. The leucine at codon 1651 is replaced by serine, an amino acid with dissimilar properties. This variant was not reported in population based cohorts in the following databases: Database of Single Nucleotide Polymorphisms (dbSNP), NHLBI Exome Sequencing Project (ESP), and 1000 Genomes Project. In the ESP, this variant was not observed in 6499 samples (12998 alleles) with coverage at this position. To date, this alteration has been detected with an allele frequency of approximately 0.001% (greater than 180000 alleles tested) in our clinical cohort. This amino acid position is highly conserved in available vertebrate species. In addition, this alteration is predicted to be deleterious by in silico analysis. Since supporting evidence is limited at this time, the clinical significance of this alteration remains unclear.

NM_000051.4(ATM):c.4952T>C (p.Leu1651Ser)

Gene: ATM (ATM serine/threonine kinase; plus strand). Cytogenetic location: 11q22.3.
Variant type: single nucleotide variant.
Coding change: c.4952T>C on transcript NM_000051.4 (MANE Select); coding-DNA position 4952, T replaced by C.
Protein change: p.Leu1651Ser; replaces leucine 1651 with serine.
Molecular consequence: missense variant.
Genome position (GRCh38, 1-based): chr11:108,297,329, T>C. VCF-style: chr11-108297329-T-C. GRCh37 (hg19) VCF-style: chr11-108168056-T-C.
Other names: c.4952T>C, p.Leu1651Ser (NM_001351834.2); short protein forms L1651S.
Identifiers: ClinVar variation 482611 (VCV000482611.14), dbSNP rs1555103237, ClinGen allele CA382538252.
Genomic context (GRCh38, chr11:108,297,329, plus strand): 5'-TTAAAAAATTATTTCTAGATAATCCGCAAGATGGGATTATGGTGAAACTAGTTGTCAATT[T>C]GTTGCAGTTATCCAAGATGGCAATAAACCACACTGGTGAAAAAGAAGTTCTAGGTAAACT-3'
Protein context (NP_000042.3, residues 1641-1661): DGIMVKLVVN[Leu1651Ser]LQLSKMAINH